The following is an entry in ClinVar:

NM_003839.4(TNFRSF11A):c.363C>A (p.Ser121Arg)

Gene: TNFRSF11A (TNF receptor superfamily member 11a; plus strand). Cytogenetic location: 18q21.33.
Variant type: single nucleotide variant.
Coding change: c.363C>A on transcript NM_003839.4 (MANE Select); coding-DNA position 363, C replaced by A.
Protein change: p.Ser121Arg; replaces serine 121 with arginine.
Molecular consequence: missense variant.
Genome position (GRCh38, 1-based): chr18:62,354,470, C>A. VCF-style: chr18-62354470-C-A. GRCh37 (hg19) VCF-style: chr18-60021703-C-A.
Other names: c.363C>A, p.Ser121Arg (NM_001270949.2, NM_001270950.2, NM_001270951.2 and 1 more transcripts); short protein forms S121R.
Identifiers: ClinVar variation 2049466 (VCV002049466.4), dbSNP rs2511558632, ClinGen allele CA402612240.

ClinVar aggregate classification (germline): Uncertain significance (1 of 4 stars; one submission).

Submission:

Labcorp Genetics (formerly Invitae), Labcorp
Classification: Uncertain significance. Last evaluated: 2022-11-08. Review status: criteria provided, single submitter. Criteria: Invitae Variant Classification Sherloc (09022015). Collection method: clinical testing. Allele origin: germline.
Comment: In summary, the available evidence is currently insufficient to determine the role of this variant in disease. Therefore, it has been classified as a Variant of Uncertain Significance. Algorithms developed to predict the effect of missense changes on protein structure and function (SIFT, PolyPhen-2, Align-GVGD) all suggest that this variant is likely to be disruptive. This variant has not been reported in the literature in individuals affected with TNFRSF11A-related conditions. This variant is not present in population databases (gnomAD no frequency). This sequence change replaces serine, which is neutral and polar, with arginine, which is basic and polar, at codon 121 of the TNFRSF11A protein (p.Ser121Arg).